The following is an entry in ClinVar:

NM_000548.5(TSC2):c.3656T>C (p.Phe1219Ser)

Gene: TSC2 (TSC complex subunit 2; plus strand). Cytogenetic location: 16p13.3.
Variant type: single nucleotide variant.
Coding change: c.3656T>C on transcript NM_000548.5 (MANE Select); coding-DNA position 3656, T replaced by C.
Protein change: p.Phe1219Ser; replaces phenylalanine 1219 with serine.
Molecular consequence: missense variant.
Genome position (GRCh38, 1-based): chr16:2,081,640, T>C. VCF-style: chr16-2081640-T-C. GRCh37 (hg19) VCF-style: chr16-2131641-T-C.
Other names: c.3524T>C, p.Phe1175Ser (NM_001077183.3, NM_001370404.1, NM_001406665.1); c.3656T>C, p.Phe1219Ser (NM_001114382.3); c.3416T>C, p.Phe1139Ser (NM_001318827.2); c.3380T>C, p.Phe1127Ser (NM_001318829.2); c.2924T>C, p.Phe975Ser (NM_001318831.2, NM_001406687.1, NM_001406688.1); c.3557T>C, p.Phe1186Ser (NM_001318832.2); c.3527T>C, p.Phe1176Ser (NM_001363528.2, NM_001370405.1, NM_021055.3); c.3653T>C, p.Phe1218Ser (NM_001406663.1, NM_001406664.1); and 18 more; short protein forms F1127S, F1169S, F1170S, F1176S, F1182S, F1218S, F728S, F771S.
Identifiers: ClinVar variation 1733630 (VCV001733630.2), dbSNP rs2544154488, ClinGen allele CA394292043.

ClinVar aggregate classification (germline): Uncertain significance (1 of 4 stars; one submission).

Conditions:
Hereditary cancer-predisposing syndrome. Also called: Neoplastic Syndromes, Hereditary; Tumor predisposition; Hereditary Cancer Syndrome; Hereditary neoplastic syndrome. Identifiers: Orphanet 140162, MedGen C0027672, MeSH D009386, MONDO:0015356.

Allele frequency attached by ClinVar (database versions not stated): gnomAD exomes below 0.00001.
gnomAD v4.1: 1 of 1,612,916 alleles (0.000062%); highest among the groups gnomAD compares: Non-Finnish European, 0.000085%; no homozygotes.

Submission:

Ambry Genetics
Classification: Uncertain significance for Hereditary cancer-predisposing syndrome. Last evaluated: 2021-01-21. Review status: criteria provided, single submitter. Criteria: Ambry Variant Classification Scheme 2023. Collection method: clinical testing. Allele origin: germline.
Comment: The p.F1219S variant (also known as c.3656T>C), located in coding exon 30 of the TSC2 gene, results from a T to C substitution at nucleotide position 3656. The phenylalanine at codon 1219 is replaced by serine, an amino acid with highly dissimilar properties. This amino acid position is highly conserved in available vertebrate species. In addition, this alteration is predicted to be deleterious by in silico analysis. Since supporting evidence is limited at this time, the clinical significance of this alteration remains unclear.